The following is an entry in ClinVar:

ClinVar aggregate classification (germline): Likely benign (0 of 4 stars; one submission).

Conditions:
NRIP1-related disorder. Also called: NRIP1-related condition.

Allele frequency attached by ClinVar (database versions not stated): 1000 Genomes Project 0.00040; 1000 Genomes Project 30x 0.00078; TOPMed 0.00079; gnomAD 0.00094; ExAC 0.00098; ESP Exome Variant Server 0.00131.

Submission:

PreventionGenetics, part of Exact Sciences
Classification: Likely benign for NRIP1-related condition. Last evaluated: 2019-06-23. Review status: no assertion criteria provided. Collection method: clinical testing. Allele origin: germline.
Comment: This variant is classified as likely benign based on ACMG/AMP sequence variant interpretation guidelines (Richards et al. 2015 PMID: 25741868, with internal and published modifications).

NM_003489.4(NRIP1):c.-7A>G

Gene: NRIP1 (nuclear receptor interacting protein 1; minus strand). Cytogenetic location: 21q11.2.
Variant type: single nucleotide variant.
Coding change: c.-7A>G on transcript NM_003489.4 (MANE Select); 7 bases upstream of the start codon, A replaced by G.
Molecular consequence: 5 prime UTR variant.
Genome position (GRCh38, 1-based): chr21:14,968,199, T>C on the plus strand (A>G on the coding strand, the complement: NRIP1 is on the minus strand). VCF-style: chr21-14968199-T-C. GRCh37 (hg19) VCF-style: chr21-16340520-T-C.
Identifiers: ClinVar variation 3043163 (VCV003043163.2), dbSNP rs201531014, ClinGen allele CA9981560.
Genomic context (GRCh38, chr21:14,968,199, plus strand): 5'-TAAAACAATAGAATCCTGGTGCACATCAGAGCCAAGCTCTTCTCCATGAGTCATGTTCAA[T>C]AGAAGTGTTCACAAGGGCTTGGTTTCTATTCACTTTAAAGAATGGTTTTCTGTGGTGAGT-3'